The following is an entry in ClinVar:

NM_014975.3(MAST1):c.580GAG[1] (p.Glu195del)

Genes: MAST1 (microtubule associated serine/threonine kinase 1; plus strand), LOC117125587 (CRISPRi-FlowFISH-validated KLF1 and PRDX2 regulatory element; plus strand). Cytogenetic location: 19p13.13.
Variant type: Microsatellite.
Coding change: c.580GAG[1] on transcript NM_014975.3 (MANE Select); one copy of the 3-base unit GAG starting at c.580; the reference has two copies in a row; one copy, 3 bases deleted; also written c.583_585del.
Protein change: p.Glu195del; deletes glutamic acid 195.
Molecular consequence: inframe deletion.
Genome position (GRCh38, 1-based): chr19:12,847,866-12,847,868, GAG deleted; deleting any 3 consecutive bases within chr19:12,847,862-12,847,868 gives the same sequence; the position shown is the placement nearest the transcript's 3' end. VCF-style (leftmost placement, unchanged base first): chr19-12847861-TGGA-T. GRCh37 (hg19) VCF-style: chr19-12958675-TGGA-T.
Other names: p.E194del; c.583_585delGAG (NM_014975.2); c.583_585del (NM_014975.3); short protein forms E195del.
Identifiers: ClinVar variation 599358 (VCV000599358.9), dbSNP rs1568408280, ClinGen allele CA913191242.

ClinVar aggregate classification (germline): Conflicting classifications of pathogenicity. Review status: criteria provided, conflicting classifications (1 of 4 stars). 4 submissions from 4 submitters: Pathogenic (1); Likely pathogenic (1); Uncertain significance (1). 1 of the submissions does not count toward it. Last evaluated 2024-11-25.

Conditions:
Mega-corpus-callosum syndrome with cerebellar hypoplasia and cortical malformations. Identifiers: MedGen C4748927, MONDO:0032648, OMIM 618273.
Inborn genetic diseases. Identifiers: MedGen C0950123, MeSH D030342.

Submissions (4):

Institute of Human Genetics, University of Leipzig Medical Center
Classification: Pathogenic for Mega-corpus-callosum syndrome with cerebellar hypoplasia and cortical malformations. Last evaluated: 2024-11-25. Review status: criteria provided, single submitter. Criteria: ACMG Guidelines, 2015. Collection method: clinical testing. Allele origin: de novo. Inheritance: Autosomal dominant inheritance. Affected: yes.
Comment: Criteria applied: PS2_VSTR,PS4_MOD,PM2,PM4

Watson Genetic Lab
Classification: Likely pathogenic for Mega-corpus-callosum syndrome with cerebellar hypoplasia and cortical malformations. Last evaluated: 2022-08-27. Review status: criteria provided, single submitter. Criteria: ACMG Guidelines, 2015. Collection method: clinical testing. Allele origin: de novo. Inheritance: Autosomal dominant inheritance. Affected: yes. Observed: 1 heterozygote.

Ambry Genetics
Classification: Uncertain significance for Inborn genetic diseases. Last evaluated: 2020-12-03. Review status: criteria provided, single submitter. Criteria: Ambry Variant Classification Scheme 2023. Collection method: clinical testing. Allele origin: germline.
Comment: The c.583_585delGAG (p.E195del) alteration, located in coding exon 7, of the MAST1 gene, results from an in-frame deletion of 3 nucleotides between nucleotide positions 583 and 585, resulting in the deletion of 1 residue at coding exon 195. Based on data from the Genome Aggregation Database (gnomAD), the MAST1 c.583_585delGAG alteration was not observed, with coverage at this position. This alteration was reported to occur de novo in a patient with moderate cognitive impairment, poor verbal abilities, stumbling gait, hypotonia, short stature, abnormal EEG, as well as multiple brain anomalies including enlarged 4th ventricle, hyperplastic corpus callosum, and hypoplasia of the vermis and brainstem. This alteration was reported as c.580_582del (p.E194del) (Tripathy, 2018). The p.E195del alteration is predicted to be deleterious with a score of -12.55 by PROVEAN in silico analysis. Based on insufficient or conflicting evidence, the clinical significance of this alteration remains unclear.

OMIM
Classification: Pathogenic for MEGA-CORPUS-CALLOSUM SYNDROME WITH CEREBELLAR HYPOPLASIA AND CORTICAL MALFORMATIONS. Last evaluated: 2019-01-10. Review status: no assertion criteria provided. Collection method: literature only. Allele origin: germline. Not counted in ClinVar's aggregate classification.

Literature cited by the submitters: PubMed 30449657 (cited by Ambry Genetics and OMIM).